The following is an entry in ClinVar:

NM_001364905.1(LRBA):c.3679G>A (p.Asp1227Asn)

Gene: LRBA (LPS responsive beige-like anchor protein; minus strand). Cytogenetic location: 4q31.3.
Variant type: single nucleotide variant.
Coding change: c.3679G>A on transcript NM_001364905.1 (MANE Select); coding-DNA position 3679, G replaced by A.
Protein change: p.Asp1227Asn; replaces aspartic acid 1227 with asparagine.
Molecular consequence: missense variant.
Genome position (GRCh38, 1-based): chr4:150,852,031, C>T on the plus strand (G>A on the coding strand, the complement: LRBA is on the minus strand). VCF-style: chr4-150852031-C-T. GRCh37 (hg19) VCF-style: chr4-151773183-C-T.
Other names: c.3679G>A, p.Asp1227Asn (NM_001199282.3, NM_001367550.1, NM_006726.5); short protein forms D1227N.
Identifiers: ClinVar variation 964491 (VCV000964491.9), dbSNP rs771712478, ClinGen allele CA3103009.

ClinVar aggregate classification (germline): Uncertain significance (1 of 4 stars; one submission).

Conditions:
Combined immunodeficiency due to LRBA deficiency. Also called: Common variable immunodeficiency 8, with autoimmunity. Identifiers: Orphanet 445018, MedGen C3553512, MONDO:0013863, OMIM 614700.

Allele frequency attached by ClinVar (database versions not stated): gnomAD exomes below 0.00001; TOPMed below 0.00001; ExAC 0.00001.
gnomAD v4.1: 1 of 1,614,108 alleles (0.000062%); highest among the groups gnomAD compares: Non-Finnish European, 0.000085%; no homozygotes.

Submission:

Labcorp Genetics (formerly Invitae), Labcorp
Classification: Uncertain significance for Combined immunodeficiency due to LRBA deficiency. Last evaluated: 2019-11-06. Review status: criteria provided, single submitter. Criteria: Invitae Variant Classification Sherloc (09022015). Collection method: clinical testing. Allele origin: germline.
Comment: In summary, the available evidence is currently insufficient to determine the role of this variant in disease. Therefore, it has been classified as a Variant of Uncertain Significance. Algorithms developed to predict the effect of missense changes on protein structure and function output the following: SIFT: "Tolerated"; PolyPhen-2: "Benign"; Align-GVGD: "Class C0". The asparagine amino acid residue is found in multiple mammalian species, suggesting that this missense change does not adversely affect protein function. These predictions have not been confirmed by published functional studies and their clinical significance is uncertain. This variant has not been reported in the literature in individuals with LRBA-related conditions. This variant is present in population databases (rs771712478, ExAC 0.01%). This sequence change replaces aspartic acid with asparagine at codon 1227 of the LRBA protein (p.Asp1227Asn). The aspartic acid residue is weakly conserved and there is a small physicochemical difference between aspartic acid and asparagine.